The following is an entry in ClinVar:

ClinVar aggregate classification (germline): Uncertain significance. Review status: criteria provided, multiple submitters, no conflicts (2 of 4 stars). 2 submissions from 2 submitters: Uncertain significance (2). Last evaluated 2022-03-17.

Conditions:
Medulloblastoma (MDB). Also called: Medulloblastoma, somatic; MEDULLOBLASTOMA PREDISPOSITION SYNDROME. Identifiers: Orphanet 616, MedGen C0025149, MeSH D008527, MONDO:0007959, OMIM 155255, HP:0002885.
Familial dysautonomia. Also called: FD; HSAN III. Identifiers: Orphanet 1764, MedGen C0013364, MONDO:0009131, OMIM 223900. Disease mechanism: loss of function.

Submissions (2):

Fulgent Genetics
Classification: Uncertain significance for Medulloblastoma; Familial dysautonomia. Last evaluated: 2022-03-17. Review status: criteria provided, single submitter. Criteria: ACMG Guidelines, 2015. Collection method: clinical testing. Allele origin: unknown.

Labcorp Genetics (formerly Invitae), Labcorp
Classification: Uncertain significance. Last evaluated: 2021-08-27. Review status: criteria provided, single submitter. Criteria: Invitae Variant Classification Sherloc (09022015). Collection method: clinical testing. Allele origin: germline.
Comment: This sequence change replaces methionine with threonine at codon 538 of the ELP1 protein (p.Met538Thr). The methionine residue is weakly conserved and there is a moderate physicochemical difference between methionine and threonine. This variant is not present in population databases (ExAC no frequency). This variant has not been reported in the literature in individuals affected with ELP1-related conditions. Algorithms developed to predict the effect of missense changes on protein structure and function output the following: SIFT: "Tolerated"; PolyPhen-2: "Benign"; Align-GVGD: "Class C0". The threonine amino acid residue is found in multiple mammalian species, which suggests that this missense change does not adversely affect protein function. In summary, the available evidence is currently insufficient to determine the role of this variant in disease. Therefore, it has been classified as a Variant of Uncertain Significance.

NM_003640.5(ELP1):c.1613T>C (p.Met538Thr)

Gene: ELP1 (elongator acetyltransferase complex subunit 1; minus strand). Cytogenetic location: 9q31.3.
Variant type: single nucleotide variant.
Coding change: c.1613T>C on transcript NM_003640.5 (MANE Select); coding-DNA position 1613, T replaced by C.
Protein change: p.Met538Thr; replaces methionine 538 with threonine.
Molecular consequence: missense variant.
Genome position (GRCh38, 1-based): chr9:108,906,333, A>G on the plus strand (T>C on the coding strand, the complement: ELP1 is on the minus strand). VCF-style: chr9-108906333-A-G. GRCh37 (hg19) VCF-style: chr9-111668613-A-G.
Other names: c.1613T>C (LRG_251t1); c.1271T>C, p.Met424Thr (NM_001318360.2); c.566T>C, p.Met189Thr (NM_001330749.2); short protein forms M424T, M189T, M538T.
Identifiers: ClinVar variation 639038 (VCV000639038.8), dbSNP rs1388151143, ClinGen allele CA374427238.